The following is an entry in ClinVar:

ClinVar aggregate classification (germline): Uncertain significance. Review status: criteria provided, multiple submitters, no conflicts (2 of 4 stars). 2 submissions from 2 submitters: Uncertain significance (2). Last evaluated 2025-04-18.

Conditions:
Inborn genetic diseases. Identifiers: MedGen C0950123, MeSH D030342.

Allele frequency attached by ClinVar (database versions not stated): gnomAD exomes below 0.00001; gnomAD 0.00001; TOPMed 0.00001.
gnomAD v4.1: 2 of 1,360,126 alleles (0.00015%); highest among the groups gnomAD compares: African/African-American, 0.0016%; no homozygotes.

Submissions (2):

Ambry Genetics
Classification: Uncertain significance for Inborn genetic diseases. Last evaluated: 2025-04-18. Review status: criteria provided, single submitter. Criteria: Ambry Variant Classification Scheme 2023. Collection method: clinical testing. Allele origin: germline.

Labcorp Genetics (formerly Invitae), Labcorp
Classification: Uncertain significance. Last evaluated: 2023-02-11. Review status: criteria provided, single submitter. Criteria: Invitae Variant Classification Sherloc (09022015). Collection method: clinical testing. Allele origin: germline.
Comment: This sequence change replaces leucine, which is neutral and non-polar, with proline, which is neutral and non-polar, at codon 492 of the MAGEL2 protein (p.Leu492Pro). This variant is present in population databases (no rsID available, gnomAD 0.02%). This variant has not been reported in the literature in individuals affected with MAGEL2-related conditions. Experimental studies and prediction algorithms are not available or were not evaluated, and the functional significance of this variant is currently unknown. In summary, the available evidence is currently insufficient to determine the role of this variant in disease. Therefore, it has been classified as a Variant of Uncertain Significance.

NM_019066.5(MAGEL2):c.1475T>C (p.Leu492Pro)

Gene: MAGEL2 (MAGE family member L2; minus strand). Cytogenetic location: 15q11.2.
Variant type: single nucleotide variant.
Coding change: c.1475T>C on transcript NM_019066.5 (MANE Select); coding-DNA position 1475, T replaced by C.
Protein change: p.Leu492Pro; replaces leucine 492 with proline.
Molecular consequence: missense variant.
Genome position (GRCh38, 1-based): chr15:23,646,268, A>G on the plus strand (T>C on the coding strand, the complement: MAGEL2 is on the minus strand). VCF-style: chr15-23646268-A-G. GRCh37 (hg19) VCF-style: chr15-23891415-A-G.
Other names: c.1475T>C (NM_019066.4); short protein forms L492P.
Identifiers: ClinVar variation 2978745 (VCV002978745.4), dbSNP rs1168516115, ClinGen allele CA391333968.